The following is an entry in ClinVar:

ClinVar aggregate classification (germline): Likely benign. Review status: criteria provided, multiple submitters, no conflicts (2 of 4 stars). 3 submissions from 3 submitters: Likely benign (3). Last evaluated 2025-05-13.

Allele frequency attached by ClinVar (database versions not stated): TOPMed 0.00029; gnomAD 0.00033 and 0.00036; ESP Exome Variant Server 0.00038.
gnomAD v4.1: 483 of 1,614,084 alleles (0.03%); highest among the groups gnomAD compares: Non-Finnish European, 0.037%; 1 homozygote.

Submissions (3):

Labcorp Genetics (formerly Invitae), Labcorp
Classification: Likely benign. Last evaluated: 2025-05-13. Review status: criteria provided, single submitter. Criteria: Invitae Variant Classification Sherloc (09022015). Collection method: clinical testing. Allele origin: germline.

CeGaT Center for Human Genetics Tuebingen
Classification: Likely benign. Last evaluated: 2025-03-01. Review status: criteria provided, single submitter. Criteria: CeGaT Center For Human Genetics Tuebingen Variant Classification Criteria Version 2. Collection method: clinical testing. Allele origin: germline. Affected: yes. Observed: 2 variant alleles.
Comment: SRCAP: BP4, BP7

Blueprint Genetics
Classification: Likely benign. Last evaluated: 2024-10-10. Review status: criteria provided, single submitter. Criteria: ACMG Guidelines, 2015. Collection method: clinical testing. Allele origin: germline.

NM_006662.3(SRCAP):c.9297C>T (p.Ser3099=)

Gene: SRCAP (Snf2 related CREBBP activator protein; plus strand). Cytogenetic location: 16p11.2.
Variant type: single nucleotide variant.
Coding change: c.9297C>T on transcript NM_006662.3 (MANE Select); coding-DNA position 9297, C replaced by T.
Protein change: p.Ser3099=; no amino-acid change (serine 3099 retained).
Molecular consequence: synonymous variant.
Genome position (GRCh38, 1-based): chr16:30,739,337, C>T. VCF-style: chr16-30739337-C-T. GRCh37 (hg19) VCF-style: chr16-30750658-C-T.
Identifiers: ClinVar variation 318919 (VCV000318919.35), dbSNP rs146224299, ClinGen allele CA8012885.